The following is an entry in ClinVar:

NM_005045.4(RELN):c.7591T>C (p.Trp2531Arg)

Gene: RELN (reelin; minus strand). Cytogenetic location: 7q22.1.
Variant type: single nucleotide variant.
Coding change: c.7591T>C on transcript NM_005045.4 (MANE Select); coding-DNA position 7591, T replaced by C.
Protein change: p.Trp2531Arg; replaces tryptophan 2531 with arginine.
Molecular consequence: missense variant.
Genome position (GRCh38, 1-based): chr7:103,522,099, A>G on the plus strand (T>C on the coding strand, the complement: RELN is on the minus strand). VCF-style: chr7-103522099-A-G. GRCh37 (hg19) VCF-style: chr7-103162546-A-G.
Other names: c.7591T>C, p.Trp2531Arg (NM_173054.3); short protein forms W2531R.
Identifiers: ClinVar variation 3370827 (VCV003370827.1).

ClinVar aggregate classification (germline): Uncertain significance (1 of 4 stars; one submission).

Submission:

GeneDx
Classification: Uncertain significance. Last evaluated: 2024-03-10. Review status: criteria provided, single submitter. Criteria: GeneDx Variant Classification Process June 2021. Collection method: clinical testing. Allele origin: germline. Affected: yes.
Comment: Not observed at significant frequency in large population cohorts (gnomAD); In silico analysis supports that this missense variant has a deleterious effect on protein structure/function; Has not been previously published as pathogenic or benign to our knowledge